The following is an entry in ClinVar:

NM_020911.2(PLXNA4):c.25A>G (p.Thr9Ala)

Gene: PLXNA4 (plexin A4; minus strand). Cytogenetic location: 7q32.3.
Variant type: single nucleotide variant.
Coding change: c.25A>G on transcript NM_020911.2 (MANE Select); coding-DNA position 25, A replaced by G.
Protein change: p.Thr9Ala; replaces threonine 9 with alanine.
Molecular consequence: missense variant.
Genome position (GRCh38, 1-based): chr7:132,508,669, T>C on the plus strand (A>G on the coding strand, the complement: PLXNA4 is on the minus strand). VCF-style: chr7-132508669-T-C. GRCh37 (hg19) VCF-style: chr7-132193428-T-C.
Other names: c.25A>G, p.Thr9Ala (NM_001105543.2, NM_001393897.1, NM_181775.4); short protein forms T9A.
Identifiers: ClinVar variation 3344529 (VCV003344529.2).

ClinVar aggregate classification (germline): Uncertain significance (1 of 4 stars; one submission).

Conditions:
PLXNA4-related disorder. Also called: PLXNA4-related condition.

gnomAD v4.1: 2 of 1,547,576 alleles (0.00013%); highest among the groups gnomAD compares: African/African-American, 0.0014%; no homozygotes.

Submission:

PreventionGenetics, part of Exact Sciences
Classification: Uncertain significance for PLXNA4-related condition. Last evaluated: 2025-08-12. Review status: criteria provided, single submitter. Criteria: ACMG Guidelines, 2015. Collection method: clinical testing. Allele origin: germline.
Comment: The PLXNA4 c.25A>G variant is predicted to result in the amino acid substitution p.Thr9Ala. To our knowledge, this variant has not been reported in the literature. This variant is reported in 0.0014% of alleles in individuals of European (Non-Finnish) descent in gnomAD. At this time, the clinical significance of this variant is uncertain due to the absence of conclusive functional and genetic evidence.